The following is an entry in ClinVar:

ClinVar aggregate classification (germline): Likely benign (0 of 4 stars; one submission).

Conditions:
SEMA3E-related disorder. Also called: SEMA3E-related condition.

Submission:

PreventionGenetics, part of Exact Sciences
Classification: Likely benign for SEMA3E-related condition. Last evaluated: 2023-03-17. Review status: no assertion criteria provided. Collection method: clinical testing. Allele origin: germline.
Comment: This variant is classified as likely benign based on ACMG/AMP sequence variant interpretation guidelines (Richards et al. 2015 PMID: 25741868, with internal and published modifications).

NM_012431.3(SEMA3E):c.1020T>C (p.Ala340=)

Gene: SEMA3E (semaphorin 3E; minus strand). Cytogenetic location: 7q21.11.
Variant type: single nucleotide variant.
Coding change: c.1020T>C on transcript NM_012431.3 (MANE Select); coding-DNA position 1020, T replaced by C.
Protein change: p.Ala340=; no amino-acid change (alanine 340 retained).
Molecular consequence: synonymous variant.
Genome position (GRCh38, 1-based): chr7:83,402,755, A>G on the plus strand (T>C on the coding strand, the complement: SEMA3E is on the minus strand). VCF-style: chr7-83402755-A-G. GRCh37 (hg19) VCF-style: chr7-83032071-A-G.
Other names: c.840T>C, p.Ala280= (NM_001178129.2).
Identifiers: ClinVar variation 3356236 (VCV003356236.1).